The following is an entry in ClinVar:

ClinVar aggregate classification (germline): Uncertain significance. Review status: criteria provided, multiple submitters, no conflicts (2 of 4 stars). 3 submissions from 3 submitters: Uncertain significance (2). 1 of the submissions does not count toward it. Last evaluated 2025-03-14.

Conditions:
MYO15A-related disorder. Also called: MYO15A-related condition.

Allele frequency attached by ClinVar (database versions not stated): ESP Exome Variant Server 0.00008; 1000 Genomes Project 30x 0.00016.
gnomAD v4.1: 52 of 1,613,080 alleles (0.0032%); highest among the groups gnomAD compares: East Asian, 0.0089%; no homozygotes.

Submissions (4):

GeneDx
Classification: Uncertain significance. Last evaluated: 2025-03-14. Review status: criteria provided, single submitter. Criteria: GeneDx Variant Classification Process June 2021. Collection method: clinical testing. Allele origin: germline.
Comment: In silico analysis indicates that this missense variant does not alter protein structure/function; Has not been previously published as pathogenic or benign to our knowledge

Labcorp Genetics (formerly Invitae), Labcorp
Classification: Uncertain significance. Last evaluated: 2024-02-24. Review status: criteria provided, single submitter. Criteria: Invitae Variant Classification Sherloc (09022015). Collection method: clinical testing. Allele origin: germline.
Comment: This sequence change replaces arginine, which is basic and polar, with glycine, which is neutral and non-polar, at codon 1120 of the MYO15A protein (p.Arg1120Gly). This variant is present in population databases (rs375451997, gnomAD 0.03%). This variant has not been reported in the literature in individuals affected with MYO15A-related conditions. ClinVar contains an entry for this variant (Variation ID: 1450882). Advanced modeling of protein sequence and biophysical properties (such as structural, functional, and spatial information, amino acid conservation, physicochemical variation, residue mobility, and thermodynamic stability) performed at Invitae indicates that this missense variant is not expected to disrupt MYO15A protein function with a negative predictive value of 95%. In summary, the available evidence is currently insufficient to determine the role of this variant in disease. Therefore, it has been classified as a Variant of Uncertain Significance.

PreventionGenetics, part of Exact Sciences
Classification: Uncertain significance for MYO15A-related condition. Last evaluated: 2024-03-12. Review status: no assertion criteria provided. Collection method: clinical testing. Allele origin: germline. Not counted in ClinVar's aggregate classification.
Comment: The MYO15A c.3358C>G variant is predicted to result in the amino acid substitution p.Arg1120Gly. To our knowledge, this variant has not been reported in the literature. This variant is reported in 0.029% of alleles in individuals of Ashkenazi Jewish descent in gnomAD. At this time, the clinical significance of this variant is uncertain due to the absence of conclusive functional and genetic evidence.

Dr. Peter K. Rogan Lab, Western University
No classification provided (evidence only). Condition: Lung cancer. Review status: no classification provided. Collection method: in vitro. Allele origin: not applicable. Functional consequence: retained intron. Not counted in ClinVar's aggregate classification.

NM_016239.4(MYO15A):c.3358C>G (p.Arg1120Gly)

Gene: MYO15A (myosin XVA; plus strand). Cytogenetic location: 17p11.2.
Variant type: single nucleotide variant.
Coding change: c.3358C>G on transcript NM_016239.4 (MANE Select); coding-DNA position 3358, C replaced by G.
Protein change: p.Arg1120Gly; replaces arginine 1120 with glycine.
Molecular consequence: missense variant.
Genome position (GRCh38, 1-based): chr17:18,122,158, C>G. VCF-style: chr17-18122158-C-G. GRCh37 (hg19) VCF-style: chr17-18025472-C-G.
Other names: c.3358C>G (NM_016239.3); short protein forms R1120G.
Identifiers: ClinVar variation 1450882 (VCV001450882.11), dbSNP rs375451997, ClinGen allele CA8423443.